The following is an entry in ClinVar:

ClinVar aggregate classification (germline): Uncertain significance (1 of 4 stars; one submission).

Conditions:
Nephronophthisis-like nephropathy 1 (NPHPL1). Identifiers: Orphanet 655, MedGen C3150419, MONDO:0013163, OMIM 613159.

Allele frequency attached by ClinVar (database versions not stated): gnomAD exomes 0.00001; TOPMed 0.00001; ExAC 0.00002.
gnomAD v4.1: 10 of 1,611,756 alleles (0.00062%); highest among the groups gnomAD compares: Admixed American, 0.0017%; no homozygotes.

Submissions (2):

Labcorp Genetics (formerly Invitae), Labcorp
Classification: Uncertain significance for Nephronophthisis-like nephropathy 1. Last evaluated: 2022-05-12. Review status: criteria provided, single submitter. Criteria: Invitae Variant Classification Sherloc (09022015). Collection method: clinical testing. Allele origin: germline.
Comment: In summary, the available evidence is currently insufficient to determine the role of this variant in disease. Therefore, it has been classified as a Variant of Uncertain Significance. Variants that disrupt the consensus splice site are a relatively common cause of aberrant splicing (PMID: 17576681, 9536098). Algorithms developed to predict the effect of sequence changes on RNA splicing suggest that this variant is not likely to affect RNA splicing. ClinVar contains an entry for this variant (Variation ID: 1002530). This variant has not been reported in the literature in individuals affected with XPNPEP3-related conditions. This variant is present in population databases (rs764558082, gnomAD 0.003%). This sequence change falls in intron 6 of the XPNPEP3 gene. It does not directly change the encoded amino acid sequence of the XPNPEP3 protein. It affects a nucleotide within the consensus splice site.

Dr. Peter K. Rogan Lab, Western University
No classification provided (evidence only). Condition: Familial cancer of breast. Review status: no classification provided. Collection method: in vitro. Allele origin: not applicable. Functional consequence: skipped exon. Not counted in ClinVar's aggregate classification.

Literature cited by the submitters: PubMed 17576681 (cited by Labcorp Genetics (formerly Invitae), Labcorp); PubMed 9536098 (cited by Labcorp Genetics (formerly Invitae), Labcorp).

NM_022098.4(XPNPEP3):c.969+5G>A

Gene: XPNPEP3 (X-prolyl aminopeptidase 3; plus strand). Cytogenetic location: 22q13.2.
Variant type: single nucleotide variant.
Coding change: c.969+5G>A on transcript NM_022098.4 (MANE Select); 5 bases into the intron after coding-DNA position 969, G replaced by A.
Molecular consequence: intron variant.
Genome position (GRCh38, 1-based): chr22:40,909,240, G>A. VCF-style: chr22-40909240-G-A. GRCh37 (hg19) VCF-style: chr22-41305244-G-A.
Identifiers: ClinVar variation 1002530 (VCV001002530.7), dbSNP rs764558082, ClinGen allele CA10251809.